The following is an entry in ClinVar:

NM_003839.4(TNFRSF11A):c.1766C>T (p.Pro589Leu)

Gene: TNFRSF11A (TNF receptor superfamily member 11a; plus strand). Cytogenetic location: 18q21.33.
Variant type: single nucleotide variant.
Coding change: c.1766C>T on transcript NM_003839.4 (MANE Select); coding-DNA position 1766, C replaced by T.
Protein change: p.Pro589Leu; replaces proline 589 with leucine.
Molecular consequence: missense variant. On other transcripts: 3 prime UTR variant (1).
Genome position (GRCh38, 1-based): chr18:62,384,949, C>T. VCF-style: chr18-62384949-C-T. GRCh37 (hg19) VCF-style: chr18-60052182-C-T.
Other names: c.*190C>T (NM_001270949.2); c.929C>T, p.Pro310Leu (NM_001270950.2); c.815C>T, p.Pro272Leu (NM_001270951.2); c.1724C>T, p.Pro575Leu (NM_001278268.2); short protein forms P310L, P589L, P272L, P575L.
Identifiers: ClinVar variation 4775931 (VCV004775931.1).

ClinVar aggregate classification (germline): Uncertain significance (1 of 4 stars; one submission).

gnomAD v4.1: 20 of 1,511,180 alleles (0.0013%); highest among the groups gnomAD compares: Non-Finnish European, 0.0016%; no homozygotes.

Submission:

Labcorp Genetics (formerly Invitae), Labcorp
Classification: Uncertain significance. Last evaluated: 2025-11-22. Review status: criteria provided, single submitter. Criteria: Invitae Variant Classification Sherloc (09022015). Collection method: clinical testing. Allele origin: germline.
Comment: This sequence change replaces proline, which is neutral and non-polar, with leucine, which is neutral and non-polar, at codon 589 of the TNFRSF11A protein (p.Pro589Leu). This variant is not present in population databases (gnomAD no frequency). This variant has not been reported in the literature in individuals affected with TNFRSF11A-related conditions. An algorithm developed to predict the effect of missense changes on protein structure and function (PolyPhen-2) suggests that this variant is likely to be tolerated. In summary, the available evidence is currently insufficient to determine the role of this variant in disease. Therefore, it has been classified as a Variant of Uncertain Significance.